The following is an entry in ClinVar:

NM_004100.5(EYA4):c.1908dup (p.Glu637fs)

Genes: EYA4 (EYA transcriptional coactivator and phosphatase 4; plus strand), TARID (TCF21 antisense RNA inducing promoter demethylation; minus strand). Cytogenetic location: 6q23.2.
Variant type: Duplication.
Coding change: c.1908dup on transcript NM_004100.5 (MANE Select); coding-DNA position 1908, one base duplicated (A; older notation c.1908dupA).
Protein change: p.Glu637fs; shifts the reading frame from glutamic acid 637.
Molecular consequence: frameshift variant.
Genome position (GRCh38, 1-based): chr6:133,528,793, A duplicated. VCF-style (leftmost placement, unchanged base first): chr6-133528792-T-TA. GRCh37 (hg19) VCF-style: chr6-133849930-T-TA.
Other names: c.1746dup, p.Glu583fs (NM_001301012.2); c.1926dup, p.Glu643fs (NM_001301013.2); c.1839dup, p.Glu614fs (NM_001370458.1, NM_172103.4); c.1764dup, p.Glu589fs (NM_001370459.1); c.1908dup, p.Glu637fs (NM_172105.4); short protein forms E583fs, E589fs, E614fs, E637fs, E643fs.
Identifiers: ClinVar variation 3898963 (VCV003898963.1).
Genomic context (GRCh38, chr6:133,528,792, plus strand): 5'-TGCCCTTCTGGAGGATATCCAGTCACTCAGACCTCCTGGCTCTCCACCAAGCACTGGAAT[T>TA]AGAGTATTTGTAACTGTGTTCTTTAGCCGGAGATCCATTTTTTATATTTCAAGTACACTG-3'

ClinVar aggregate classification (germline): Uncertain significance (1 of 4 stars; one submission).

Submission:

GeneDx
Classification: Uncertain significance. Last evaluated: 2024-11-07. Review status: criteria provided, single submitter. Criteria: GeneDx Variant Classification Process June 2021. Collection method: clinical testing. Allele origin: germline. Affected: yes.
Comment: Not observed at significant frequency in large population cohorts (gnomAD); Frameshift variant predicted to result in abnormal protein length as the last 3 amino acids are replaced with 24 different amino acids; Has not been previously published as pathogenic or benign to our knowledge